The following is an entry in ClinVar:

ClinVar aggregate classification (germline): Uncertain significance (1 of 4 stars; one submission).

Conditions:
Inborn genetic diseases. Identifiers: MedGen C0950123, MeSH D030342.

Submission:

Ambry Genetics
Classification: Uncertain significance for Inborn genetic diseases. Last evaluated: 2026-02-21. Review status: criteria provided, single submitter. Criteria: Ambry Variant Classification Scheme 2023. Collection method: clinical testing. Allele origin: germline.
Comment: The p.S1198R variant (also known as c.3594T>G), located in coding exon 24 of the ANKRD26 gene, results from a T to G substitution at nucleotide position 3594. The serine at codon 1198 is replaced by arginine, an amino acid with dissimilar properties. This amino acid position is conserved. In addition, this alteration is predicted to be tolerated by in silico analysis. Based on the available evidence, the clinical significance of this variant remains unclear.

NM_014915.3(ANKRD26):c.3594T>G (p.Ser1198Arg)

Gene: ANKRD26 (ankyrin repeat domain 26; minus strand). Cytogenetic location: 10p12.1.
Variant type: single nucleotide variant.
Coding change: c.3594T>G on transcript NM_014915.3 (MANE Select); coding-DNA position 3594, T replaced by G.
Protein change: p.Ser1198Arg; replaces serine 1198 with arginine.
Molecular consequence: missense variant.
Genome position (GRCh38, 1-based): chr10:27,034,856, A>C on the plus strand (T>G on the coding strand, the complement: ANKRD26 is on the minus strand). VCF-style: chr10-27034856-A-C. GRCh37 (hg19) VCF-style: chr10-27323785-A-C.
Other names: c.3591T>G, p.Ser1197Arg (NM_001256053.2); short protein forms S1197R, S1198R.
Identifiers: ClinVar variation 4845155 (VCV004845155.1).